The following is an entry in ClinVar:

ClinVar aggregate classification (germline): Benign (0 of 4 stars; one submission).

Conditions:
FNDC3B-related disorder. Also called: FNDC3B-related condition.

Allele frequency attached by ClinVar (database versions not stated): 1000 Genomes Project 0.00499; 1000 Genomes Project 30x 0.00531; ESP Exome Variant Server 0.00900; TOPMed 0.00934; ExAC 0.00981; gnomAD 0.01000; gnomAD exomes 0.01122.
gnomAD v4.1: 17,965 of 1,613,382 alleles (1.1%); highest among the groups gnomAD compares: Non-Finnish European, 1.2%; 162 homozygotes.

Submission:

PreventionGenetics, part of Exact Sciences
Classification: Benign for FNDC3B-related condition. Last evaluated: 2019-11-08. Review status: no assertion criteria provided. Collection method: clinical testing. Allele origin: germline.
Comment: This variant is classified as benign based on ACMG/AMP sequence variant interpretation guidelines (Richards et al. 2015 PMID: 25741868, with internal and published modifications).

NM_022763.4(FNDC3B):c.1354G>T (p.Ala452Ser)

Gene: FNDC3B (fibronectin type III domain containing 3B; plus strand). Cytogenetic location: 3q26.31.
Variant type: single nucleotide variant.
Coding change: c.1354G>T on transcript NM_022763.4 (MANE Select); coding-DNA position 1354, G replaced by T.
Protein change: p.Ala452Ser; replaces alanine 452 with serine.
Molecular consequence: missense variant.
Genome position (GRCh38, 1-based): chr3:172,329,051, G>T. VCF-style: chr3-172329051-G-T. GRCh37 (hg19) VCF-style: chr3-172046841-G-T.
Other names: c.1354G>T, p.Ala452Ser (NM_001135095.2); short protein forms A452S.
Identifiers: ClinVar variation 3039307 (VCV003039307.2), dbSNP rs35409041, ClinGen allele CA2705653.